The following is an entry in ClinVar:

NM_000055.4(BCHE):c.635C>T (p.Ala212Val)

Gene: BCHE (butyrylcholinesterase; minus strand). Cytogenetic location: 3q26.1.
Variant type: single nucleotide variant.
Coding change: c.635C>T on transcript NM_000055.4 (MANE Select); coding-DNA position 635, C replaced by T.
Protein change: p.Ala212Val; replaces alanine 212 with valine.
Molecular consequence: missense variant. On other transcripts: non-coding transcript variant (1).
Genome position (GRCh38, 1-based): chr3:165,830,399, G>A on the plus strand (C>T on the coding strand, the complement: BCHE is on the minus strand). VCF-style: chr3-165830399-G-A. GRCh37 (hg19) VCF-style: chr3-165548187-G-A.
Other names: short protein forms A212V.
Identifiers: ClinVar variation 370854 (VCV000370854.23), dbSNP rs114706984, ClinGen allele CA2692459.

ClinVar aggregate classification (germline): Conflicting classifications of pathogenicity. Review status: criteria provided, conflicting classifications (1 of 4 stars). 11 submissions from 11 submitters: Pathogenic (1); Likely pathogenic (5); Uncertain significance (4). 1 of the submissions does not count toward it. Last evaluated 2026-08-06.

Conditions:
BCHE-related disorder. Also called: BCHE-related condition.
Deficiency of butyrylcholinesterase (BCHED). Also called: Deficiency of butyrylcholine esterase; Butyrylcholinesterase deficiency; BCHE, silent 1; Acholinesterasemia. Identifiers: Orphanet 132, MedGen C1283400, MONDO:0015270, OMIM 617936.

Allele frequency attached by ClinVar (database versions not stated): 1000 Genomes Project 30x 0.00094; 1000 Genomes Project 0.00100; ExAC 0.00187; gnomAD exomes 0.00211; gnomAD 0.00249 and 0.00254; TOPMed 0.00263; ESP Exome Variant Server 0.00315.
gnomAD v4.1: 6,090 of 1,613,890 alleles (0.38%); highest among the groups gnomAD compares: Non-Finnish European, 0.48%; 11 homozygotes.

Submissions (11):

OLLIN Analises Genomicas, OLLIN
Classification: Uncertain significance for Deficiency of butyrylcholinesterase. Last evaluated: 2026-08-06. Review status: criteria provided, single submitter. Criteria: ACMG Guidelines 2015 PMID 25741868. Collection method: clinical testing. Allele origin: germline. Inheritance: Autosomal recessive inheritance.
Comment: This missense variant, located in exon 2 (of 4), has been reported in ClinVar (accession VCV000370854.21), in gnomAD with an allele frequency of 0.38%, and in the scientific literature, in compound heterozygosity, in individuals with BCHE related disorders (PMID: 15731589, 7618741, 18300943). In silico analysis is inconclusive regarding the impact of this variant. According to the currently available evidence, this variant has been classified as uncertain significance (PM3).

PreventionGenetics, part of Exact Sciences
Classification: Uncertain significance for BCHE-related condition. Last evaluated: 2026-04-08. Review status: criteria provided, single submitter. Criteria: ACMG Guidelines, 2015. Collection method: clinical testing. Allele origin: germline.
Comment: The BCHE c.635C>T variant is predicted to result in the amino acid substitution p.Ala212Val. This variant (also known as the SC variant) was previously reported in the compound heterozygous state in a patient who was diagnosed with butyrylcholinesterase deficiency following prolonged neuromuscular block (~25 minutes) after succinylcholine administration (Greenberg et al. 2015. PubMed ID: 7618741). The full extent of the altered butyrylcholinesterase activity in this patient was only detected upon utilization of succinylcholine as a substrate in clinical tests, which may have been missed through routine phenotyping methods that rely on surrogate substrates (such as benzoylcholine). This variant was also described, along with a second known pathogenic variant, in an individual with total BCHE activity of ~64%; segregation analysis was unavailable for this individual, although the patient did have a mildly prolonged neuromuscular block of 15 minutes after administration with succinylcholine (Levano et al. 2005. PubMed ID: 15731589). This variant was also described in the homozygous state in an individual with butyrylcholinesterase deficiency (Mikami et al. 2008. PubMed ID: 18300943, reported as A184V). Finally, this variant was detected, along with a second known pathogenic variant, in a healthy individual with butyrylcholinesterase levels within the normal range but low dibucaine number; in the in vitro assay for this study, butyrylthiocholine iodide was utilized as a substrate (Jasiecki et al. 2016. PubMed ID: 27109752). This variant is reported in 0.36% of alleles in individuals of European (Non-Finnish) descent in gnomAD. In ClinVar, this variant has been listed as 'pathogenic,' ‘likely pathogenic,' or 'uncertain significance' by outside laboratories. Although we suspect that this variant may be pathogenic, at this time, the clinical significance of this variant is uncertain due to the absence of conclusive functional and genetic evidence.

Women's Health and Genetics/Laboratory Corporation of America, LabCorp
Classification: Uncertain significance. Last evaluated: 2026-03-03. Review status: criteria provided, single submitter. Criteria: LabCorp Variant Classification Summary - May 2015. Collection method: clinical testing. Allele origin: germline.
Comment: Variant summary: BCHE c.635C>T (p.Ala212Val) results in a non-conservative amino acid change located in the Carboxylesterase, type B domain (IPR002018) of the encoded protein sequence. Algorithms developed to predict the effect of missense changes on protein structure and function are either unavailable or do not agree on the potential impact of this missense change. The variant allele was found at a frequency of 0.0021 in 250210 control chromosomes in the gnomAD database, including 1 homozygote. This frequency is not significantly higher than estimated for disease-causing variants in BCHE, allowing no conclusion about variant significance. At least one publication reports reduced plasma cholinesterase activity in compound heterozygous individual (Greenberg_1995), however this result doesn't allow conclusions for the individual effect of the variant. The following publications have been ascertained in the context of this evaluation (PMID: 7618741, 27109752, 15731589, 18300943, 20589221). ClinVar contains an entry for this variant (Variation ID: 370854). Based on the evidence outlined above, the variant was classified as VUS-possibly pathogenic.

GeneDx
Classification: Uncertain significance. Last evaluated: 2025-11-18. Review status: criteria provided, single submitter. Criteria: GeneDx Variant Classification Process June 2021. Collection method: clinical testing. Allele origin: germline. Affected: yes.
Comment: In silico analysis suggests that this missense variant does not alter protein structure/function; This variant is associated with the following publications: (PMID: 31589614, 18300943, 22750491, 20589221, 15731589, 27109752, 38523675, 7618741)

Myriad Genetics, Inc.
Classification: Likely pathogenic for Deficiency of butyrylcholinesterase. Last evaluated: 2025-07-21. Review status: criteria provided, single submitter. Criteria: Myriad Autosomal Dominant, Autosomal Recessive and X-Linked Classification Criteria (2023). Collection method: clinical testing. Allele origin: unknown.
Comment: NM_000055.2(BCHE):c.635C>T(A212V) is a missense variant classified as likely pathogenic in the context of pseudocholinesterase deficiency. A212V has been observed in cases with relevant disease (PMID: 7618741, 15731589, 18300943, 27109752, Gatke_2008_(Abstract), Shields_2011_(Article), Girard_2003_(Abstract)). Relevant functional assessments of this variant are available in the literature (PMID: 7618741). A212V has been observed in referenced population frequency databases. In summary, NM_000055.2(BCHE):c.635C>T(A212V) is a missense variant that has been observed more frequently in cases with the relevant disease than in healthy populations. Please note: this variant was assessed in the context of healthy population screening.

Victorian Clinical Genetics Services, Murdoch Childrens Research Institute
Classification: Likely pathogenic for Deficiency of butyrylcholinesterase. Last evaluated: 2024-10-10. Review status: criteria provided, single submitter. Criteria: ACMG Guidelines, 2015. Collection method: clinical testing. Allele origin: germline. Inheritance: Autosomal recessive inheritance. Affected: no.
Comment: Based on the classification scheme VCGS_Germline_v1.1.1, this variant is classified as likely pathogenic. Following criteria are met: 0102 - Loss-of-function is a known mechanism of disease for this gene. (N) 0106 - This gene is known to be associated with autosomal recessive disease. (N) 0200 - Variant is predicted to result in a missense amino acid change from alanine to valine (exon 2). (N) 0251 - Variant is heterozygous. (N) 0304 - Variant is present in gnomAD <0.01 for a recessive condition (593 heterozygotes, 1 homozygote). (P) 0503 - Missense variant consistently predicted to be tolerated or not conserved in mammals with a minor amino acid change. (B) 0600 - Variant is located in an annotated domain or motif (COesterase domain; NCBI, PDB). (N) 0705 - No comparable variants have previous evidence for pathogenicity. (N) 0801 - Strong previous evidence of pathogenicity in several unrelated individuals, both compound heterozygote (PMID:27109752, PMID:7618741) and homozygote (PMID:18300943). (P) 0905 - No segregation evidence has been identified for this variant. (N) 1002 - Moderate functional evidence supporting abnormal protein function, where mutant protein showed 70% of normal protein function (PMID:25448037). (P) 1208 - Inheritance information for this variant is not currently available. (N) Legend: (P) - Pathogenic, (N) - Neutral, (B) - Benign

ARUP Laboratories, Molecular Genetics and Genomics, ARUP Laboratories
Classification: Likely pathogenic. Last evaluated: 2023-08-23. Review status: criteria provided, single submitter. Criteria: ARUP Molecular Germline Variant Investigation Process 2024. Collection method: clinical testing. Allele origin: germline.
Comment: The BCHE c.635C>T; p.Ala212Val variant, also published as Ala184Val, is reported in the literature as occurring in the homozygous state, compound heterozygous state, and heterozygous state, with at least two of the compound heterozygous individuals experiencing prolonged duration of succinylcholine action during routine anesthetic administration and reduced BChE activity (Greenberg 1995, Levano 2005, Mikami 2008). The variant is also listed in the ClinVar database (Variation ID: 370854), and is found in the general population with an overall allele frequency of 0.2% (595/281,610 alleles, including 1 homozygote) in the Genome Aggregation Database (v2.1.1). Computational analyses are uncertain whether this variant is neutral or deleterious (REVEL: 0.365). Based on available information, the p.Ala212Val variant is classified as likely pathogenic. References: Greenberg CP et al. Prolonged response to succinylcholine: a new variant of plasma cholinesterase that is identified as normal by traditional phenotyping methods. Anesth Analg. 1995 Aug;81(2):419-21. PMID: 7618741. Levano S et al. Genotyping the butyrylcholinesterase in patients with prolonged neuromuscular block after succinylcholine. Anesthesiology. 2005 Mar;102(3):531-5. PMID: 15731589. Mikami LR et al. Five new naturally occurring mutations of the BCHE gene and frequencies of 12 butyrylcholinesterase alleles in a Brazilian population. Pharmacogenet Genomics. 2008 Mar;18(3):213-8. PMID: 18300943.

Department of Pathology and Laboratory Medicine, Sinai Health System
Classification: Likely pathogenic for butyrylcholinesterase deficiency. Last evaluated: 2023-07-15. Review status: criteria provided, single submitter. Criteria: ACMG Guidelines, 2015. Collection method: research. Allele origin: germline.

Laboratorio de Genetica e Diagnostico Molecular, Hospital Israelita Albert Einstein
Classification: Pathogenic. Last evaluated: 2020-12-02. Review status: criteria provided, single submitter. Criteria: ACMG Guidelines, 2015. Collection method: clinical testing. Allele origin: germline. Affected: yes.
Comment: ACMG classification criteria: PS3, PS4, PM3, BP4

Illumina Laboratory Services, Illumina
Classification: Likely pathogenic for Deficiency of butyrylcholinesterase. Last evaluated: 2017-09-07. Review status: criteria provided, single submitter. Criteria: ICSL Variant Classification Criteria 09 May 2019. Collection method: clinical testing. Allele origin: germline.
Comment: The BCHE c.635C>T (p.Ala212Val) missense variant, also referred to as p.Ala184Val, has been identified in at least four studies and seven individuals with low BChE activity, including in one in a homozygous state, in three in a compound heterozygous state, and in three in a heterozygous state (Greenberg et al. 1995; Levano et al. 2005; Mikami et al. 2008; Jasiecki et al. 2016). Two of the compound heterozygous individuals were found to have prolonged duration of succinylcholine action during routine anesthetic administration (Greenberg et al. 1995; Levano et al. 2005). The p.Ala212Val variant is reported at a frequency of 0.00419 in the European-American population of the Exome Sequencing Project. Based on the evidence, the p.Ala212Val is classified as likely pathogenic for butyrylcholinesterase deficiency. This variant was observed by ICSL as part of a predisposition screen in an ostensibly healthy population.

Counsyl
Classification: Likely pathogenic. Last evaluated: 2016-04-28. Review status: no assertion criteria provided. Collection method: clinical testing. Allele origin: unknown. Not counted in ClinVar's aggregate classification.

Literature cited by the submitters: PubMed 15731589 (cited by 4 submitters); PubMed 7618741 (cited by 6 submitters); PubMed 18300943 (cited by 5 submitters); PubMed 20589221 (cited by Women's Health and Genetics/Laboratory Corporation of America, LabCorp); PubMed 27109752 (cited by 3 submitters); PubMed 25448037 (cited by Victorian Clinical Genetics Services, Murdoch Childrens Research Institute); PubMed 22750491 (cited by Counsyl).